The following is an entry in ClinVar:

ClinVar aggregate classification (germline): Uncertain significance. Review status: criteria provided, multiple submitters, no conflicts (2 of 4 stars). 6 submissions from 6 submitters: Uncertain significance (5). 1 of the submissions does not count toward it. Last evaluated 2026-05-22.

Conditions:
Bicuspid aortic valve. Identifiers: MedGen C0149630, HP:0001647.
Visceral myopathy 2. Identifiers: MedGen C5543466, MONDO:0859157, OMIM 619350.
Megacystis-microcolon-intestinal hypoperistalsis syndrome 2. Identifiers: MedGen C5543476, MONDO:0025708, OMIM 619351.
Aortic aneurysm, familial thoracic 4 (AAT4). Also called: AORTIC ANEURYSM/AORTIC DISSECTION AND PATENT DUCTUS ARTERIOSUS. Identifiers: MedGen C1851504, MONDO:0007568, OMIM 132900.
MYH11-related disorder. Also called: MYH11-related condition.
Familial thoracic aortic aneurysm and aortic dissection (TAAD). Also called: Thoracic aortic aneurysms and dissections. Identifiers: Orphanet 91387, MedGen C4707243, MONDO:0019625.

Allele frequency attached by ClinVar (database versions not stated): gnomAD exomes 0.00001; gnomAD 0.00004; TOPMed 0.00005; 1000 Genomes Project 30x 0.00016; 1000 Genomes Project 0.00020.
gnomAD v4.1: 23 of 1,614,210 alleles (0.0014%); highest among the groups gnomAD compares: African/African-American, 0.0093%; no homozygotes.

Submissions (6):

PreventionGenetics, part of Exact Sciences
Classification: Uncertain significance for MYH11-related condition. Last evaluated: 2026-05-22. Review status: criteria provided, single submitter. Criteria: ACMG Guidelines, 2015. Collection method: clinical testing. Allele origin: germline.
Comment: The MYH11 c.3581C>T variant is predicted to result in the amino acid substitution p.Thr1194Met. This variant has been reported as a variant of uncertain significance in individuals with thoracic aortic aneurysm and dissection (described as c.3560C>T (p.Thr1187Met) in Table S2, Yang et al. 2023. PubMed ID: 36517271). This variant is reported in 0.0062% of alleles in individuals of African descent in gnomAD. At this time, the clinical significance of this variant is uncertain due to the absence of conclusive functional and genetic evidence.

Color Diagnostics, LLC DBA Color Health
Classification: Uncertain significance for Familial thoracic aortic aneurysm and aortic dissection. Last evaluated: 2024-03-06. Review status: criteria provided, single submitter. Criteria: ACMG Guidelines, 2015. Collection method: clinical testing. Allele origin: germline.
Comment: This missense variant replaces threonine with methionine at codon 1194 of the MYH11 protein. Computational prediction tools indicate that this variant's impact on protein structure and function is inconclusive. To our knowledge, functional studies have not been reported for this variant. This variant has not been reported in individuals affected with MYH11-related disorders in the literature. This variant has been identified in 3/251450 chromosomes in the general population by the Genome Aggregation Database (gnomAD). The available evidence is insufficient to determine the role of this variant in disease conclusively. Therefore, this variant is classified as a Variant of Uncertain Significance.

Labcorp Genetics (formerly Invitae), Labcorp
Classification: Uncertain significance for Aortic aneurysm, familial thoracic 4. Last evaluated: 2023-11-03. Review status: criteria provided, single submitter. Criteria: Invitae Variant Classification Sherloc (09022015). Collection method: clinical testing. Allele origin: germline.
Comment: This sequence change replaces threonine, which is neutral and polar, with methionine, which is neutral and non-polar, at codon 1194 of the MYH11 protein (p.Thr1194Met). This variant is present in population databases (rs552818350, gnomAD 0.007%). This missense change has been observed in individuals with MYH11-related disease (Invitae). ClinVar contains an entry for this variant (Variation ID: 405474). Advanced modeling of protein sequence and biophysical properties (such as structural, functional, and spatial information, amino acid conservation, physicochemical variation, residue mobility, and thermodynamic stability) performed at Invitae indicates that this missense variant is not expected to disrupt MYH11 protein function with a negative predictive value of 95%. In summary, the available evidence is currently insufficient to determine the role of this variant in disease. Therefore, it has been classified as a Variant of Uncertain Significance.

CHEO Genetics Diagnostic Laboratory, Children's Hospital of Eastern Ontario
Classification: Uncertain significance for Familial thoracic aortic aneurysm and aortic dissection. Last evaluated: 2018-03-15. Review status: criteria provided, single submitter. Criteria: ACMG Guidelines, 2015. Collection method: clinical testing. Allele origin: germline.

Juno Genomics, Hangzhou Juno Genomics, Inc
Classification: Uncertain significance for Visceral myopathy 2; Aortic aneurysm, familial thoracic 4; Megacystis-microcolon-intestinal hypoperistalsis syndrome 2. Review status: criteria provided, single submitter. Criteria: ACMG Guidelines, 2015. Collection method: clinical testing. Allele origin: germline.
Comment: Absent from controls (or at extremely low frequency if recessive) in Genome Aggregation Database.;Multiple lines of computational evidence support a deleterious effect on the gene or gene product.;Missense variant in a gene that has a low rate of benign missense variation.

Clinical Molecular Genetics Laboratory, Johns Hopkins All Children's Hospital
Classification: Uncertain significance for Bicuspid aortic valve. Last evaluated: 2015-11-19. Review status: no assertion criteria provided. Collection method: clinical testing. Allele origin: germline. Affected: yes. Not counted in ClinVar's aggregate classification.

NM_002474.3(MYH11):c.3560C>T (p.Thr1187Met)

Gene: MYH11 (myosin heavy chain 11; minus strand). Cytogenetic location: 16p13.11.
Variant type: single nucleotide variant.
Coding change: c.3560C>T on transcript NM_002474.3 (MANE Select); coding-DNA position 3560, C replaced by T.
Protein change: p.Thr1187Met; replaces threonine 1187 with methionine.
Molecular consequence: missense variant.
Genome position (GRCh38, 1-based): chr16:15,732,655, G>A on the plus strand (C>T on the coding strand, the complement: MYH11 is on the minus strand). VCF-style: chr16-15732655-G-A. GRCh37 (hg19) VCF-style: chr16-15826512-G-A.
Other names: c.3581C>T, p.Thr1194Met (NM_001040113.2, NM_001040114.2); c.3560C>T, p.Thr1187Met (NM_022844.3); short protein forms T1194M, T1187M.
Identifiers: ClinVar variation 405474 (VCV000405474.15), dbSNP rs552818350, ClinGen allele CA16614583.